The following is an entry in ClinVar:

ClinVar aggregate classification (germline): Uncertain significance (1 of 4 stars; one submission).

Submission:

Labcorp Genetics (formerly Invitae), Labcorp
Classification: Uncertain significance. Last evaluated: 2022-10-24. Review status: criteria provided, single submitter. Criteria: Invitae Variant Classification Sherloc (09022015). Collection method: clinical testing. Allele origin: germline.
Comment: This variant has not been reported in the literature in individuals affected with CARMIL2-related conditions. This variant is not present in population databases (gnomAD no frequency). This variant, c.2542_2556dup, results in the insertion of 5 amino acid(s) of the CARMIL2 protein (p.Glu848_Glu852dup), but otherwise preserves the integrity of the reading frame. ClinVar contains an entry for this variant (Variation ID: 1392642). In summary, the available evidence is currently insufficient to determine the role of this variant in disease. Therefore, it has been classified as a Variant of Uncertain Significance.

NM_001013838.3(CARMIL2):c.2542_2556dup (p.Glu848_Glu852dup)

Gene: CARMIL2 (capping protein regulator and myosin 1 linker 2; plus strand). Cytogenetic location: 16q22.1.
Variant type: Duplication.
Coding change: c.2542_2556dup on transcript NM_001013838.3 (MANE Select); coding-DNA positions 2542 to 2556, 15 bases duplicated (GAGCTGCTCCCAGAG).
Protein change: p.Glu848_Glu852dup.
Molecular consequence: inframe insertion.
Genome position (GRCh38, 1-based): chr16:67,651,799-67,651,813, GAGCTGCTCCCAGAG duplicated; duplicating any 15 consecutive bases within chr16:67,651,798-67,651,813 gives the same sequence; the c. name uses the placement nearest the transcript's 3' end. VCF-style (leftmost placement, unchanged base first): chr16-67651797-C-CGGAGCTGCTCCCAGA. GRCh37 (hg19) VCF-style: chr16-67685700-C-CGGAGCTGCTCCCAGA.
Other names: c.2434_2448dup, p.Glu812_Glu816dup (NM_001317026.3).
Identifiers: ClinVar variation 1392642 (VCV001392642.6), dbSNP rs2142935000, ClinGen allele CA2573152549.